The following is an entry in ClinVar:

ClinVar aggregate classification (germline): Pathogenic (1 of 4 stars; one submission).

Conditions:
Autosomal recessive nonsyndromic hearing loss 25. Identifiers: Orphanet 90636, MedGen C1414017, MONDO:0013210, OMIM 613285.

Submission:

Victorian Clinical Genetics Services, Murdoch Childrens Research Institute
Classification: Pathogenic for Autosomal recessive nonsyndromic hearing loss 25. Last evaluated: 2023-07-17. Review status: criteria provided, single submitter. Criteria: ACMG Guidelines, 2015. Collection method: clinical testing. Allele origin: germline. Inheritance: Autosomal recessive inheritance. Affected: yes.
Comment: Based on the classification scheme VCGS_Germline_v1.3.4, this variant is classified as Pathogenic. Following criteria are met: 0102 - Loss of function is a known mechanism of disease in this gene and is associated with autosomal recessive deafness 25 (MIM#613285). (I) 0106 - This gene is associated with autosomal recessive disease. (I) 0201 - Variant is predicted to cause nonsense-mediated decay (NMD) and loss of protein (premature termination codon is located at least 54 nucleotides upstream of the final exon-exon junction). (SP) 0252 - This variant is homozygous. (I) 0301 - Variant is absent from gnomAD (both v2 and v3). (SP) 0702 - Other NMD-predicted variants comparable to the one identified in this case have strong previous evidence for pathogenicity. These variants have been reported as pathogenic, and observed in individuals with non syndromic hearing loss (ClinVar, PMID: 32279305). (SP) 0807 - This variant has no previous evidence of pathogenicity. (I) 0905 - No published segregation evidence has been identified for this variant. (I) 1007 - No published functional evidence has been identified for this variant. (I) 1209 - This variant has been shown to be both maternally and paternally inherited (biallelic) (by segregation analysis). (I) Legend: (SP) - Supporting pathogenic, (I) - Information, (SB) - Supporting benign

Literature cited by the submitters: PubMed 32279305.

NM_001080476.3(GRXCR1):c.550G>T (p.Glu184Ter)

Gene: GRXCR1 (glutaredoxin and cysteine rich domain containing 1; plus strand). Cytogenetic location: 4p13.
Variant type: single nucleotide variant.
Coding change: c.550G>T on transcript NM_001080476.3 (MANE Select); coding-DNA position 550, G replaced by T.
Protein change: p.Glu184Ter; replaces glutamic acid 184 with a stop codon.
Molecular consequence: nonsense.
Genome position (GRCh38, 1-based): chr4:42,963,057, G>T. VCF-style: chr4-42963057-G-T. GRCh37 (hg19) VCF-style: chr4-42965074-G-T.
Other names: short protein forms E184*.
Identifiers: ClinVar variation 1699340 (VCV001699340.3), dbSNP rs2109775078, ClinGen allele CA356792435.